The following is an entry in ClinVar:

NM_007294.4(BRCA1):c.5450A>C (p.Glu1817Ala)

Gene: BRCA1 (BRCA1 DNA repair associated; minus strand). Cytogenetic location: 17q21.31.
Variant type: single nucleotide variant.
Coding change: c.5450A>C on transcript NM_007294.4 (MANE Select); coding-DNA position 5450, A replaced by C.
Protein change: p.Glu1817Ala; replaces glutamic acid 1817 with alanine.
Molecular consequence: missense variant. On other transcripts: non-coding transcript variant (1).
Genome position (GRCh38, 1-based): chr17:43,047,660, T>G on the plus strand (A>C on the coding strand, the complement: BRCA1 is on the minus strand). VCF-style: chr17-43047660-T-G. GRCh37 (hg19) VCF-style: chr17-41199677-T-G.
Other names: c.5237A>C, p.Glu1746Ala (NM_001407571.1, NM_001407907.1, NM_001407908.1 and 12 more transcripts); c.5516A>C, p.Glu1839Ala (NM_001407581.1, NM_001407582.1); c.5513A>C, p.Glu1838Ala (NM_001407583.1, NM_001407585.1, NM_001407587.1 and 1 more transcripts); c.5510A>C, p.Glu1837Ala (NM_001407590.1, NM_001407591.1); c.5450A>C, p.Glu1817Ala (NM_001407593.1, NM_001407594.1, NM_001407596.1 and 5 more transcripts); c.5447A>C, p.Glu1816Ala (NM_001407614.1, NM_001407615.1, NM_001407616.1 and 14 more transcripts); c.5444A>C, p.Glu1815Ala (NM_001407633.1, NM_001407634.1, NM_001407635.1 and 13 more transcripts); c.5372A>C, p.Glu1791Ala (NM_001407655.1, NM_001407652.1, NM_001407653.1 and 1 more transcripts); and 83 more; short protein forms E1817A, E1770A, E713A, E1838A, R688S, E1520A, E1729A, E1733A.
Identifiers: ClinVar variation 867398 (VCV000867398.3), dbSNP rs2050981907, ClinGen allele CA10590497.

Conditions:
Breast-ovarian cancer, familial, susceptibility to, 1 (BROVCA1). Also called: BRCA1 Hereditary Breast and Ovarian Cancer; OVARIAN CANCER, SUSCEPTIBILITY TO. Identifiers: Orphanet 145, MedGen C2676676, MONDO:0011450, OMIM 604370. Disease mechanism: loss of function.

Submission:

Brotman Baty Institute, University of Washington
No classification provided (evidence only). Condition: Breast-ovarian cancer, familial 1. Review status: no classification provided. Collection method: in vitro. Allele origin: not applicable. Functional consequence: functionally_normal.
ClinVar note: "not provided" was previously submitted as the classification for the variant. However, the classification appeared to be based only on an observation of functional data so it was converted to no classification on 2025-07-30.